The following is an entry in ClinVar:

ClinVar aggregate classification (germline): Uncertain significance (1 of 4 stars; one submission).

Conditions:
Baller-Gerold syndrome (BGS). Also called: CRANIOSYNOSTOSIS WITH RADIAL DEFECTS. Identifiers: Orphanet 1225, MedGen C0265308, MONDO:0009039, OMIM 218600.

Submission:

Labcorp Genetics (formerly Invitae), Labcorp
Classification: Uncertain significance for Baller-Gerold syndrome. Last evaluated: 2021-06-16. Review status: criteria provided, single submitter. Criteria: Invitae Variant Classification Sherloc (09022015). Collection method: clinical testing. Allele origin: germline.
Comment: Nucleotide substitutions within the consensus splice site are a relatively common cause of aberrant splicing (PMID: 17576681, 9536098). Experimental studies and prediction algorithms are not available or were not evaluated, and the effect of this variant on mRNA splicing is currently unknown. In summary, the available evidence is currently insufficient to determine the role of this variant in disease. Therefore, it has been classified as a Variant of Uncertain Significance. The frequency data for this variant in the population databases is considered unreliable, as metrics indicate insufficient coverage at this position in the ExAC database. This variant has not been reported in the literature in individuals with RECQL4-related conditions. This sequence change falls in intron 2 of the RECQL4 gene. It does not directly change the encoded amino acid sequence of the RECQL4 protein. It affects a nucleotide within the consensus splice site of the intron.

Literature cited by the submitters: PubMed 17576681; PubMed 9536098.

NM_004260.4(RECQL4):c.118+4A>C

Genes: RECQL4 (RecQ like helicase 4; minus strand), LOC130001411 (ATAC-STARR-seq lymphoblastoid silent region 19699; plus strand). Cytogenetic location: 8q24.3.
Variant type: single nucleotide variant.
Coding change: c.118+4A>C on transcript NM_004260.4 (MANE Select); 4 bases into the intron after coding-DNA position 118, A replaced by C.
Molecular consequence: intron variant.
Genome position (GRCh38, 1-based): chr8:144,517,598, T>G on the plus strand (A>C on the coding strand, the complement: RECQL4 is on the minus strand). VCF-style: chr8-144517598-T-G. GRCh37 (hg19) VCF-style: chr8-145742982-T-G.
Identifiers: ClinVar variation 1484319 (VCV001484319.6), dbSNP rs775068771, ClinGen allele CA2573142951.